The following is an entry in ClinVar:

NM_004415.4(DSP):c.8386G>A (p.Asp2796Asn)

Gene: DSP (desmoplakin; plus strand). Cytogenetic location: 6p24.3.
Variant type: single nucleotide variant.
Coding change: c.8386G>A on transcript NM_004415.4 (MANE Select); coding-DNA position 8386, G replaced by A.
Protein change: p.Asp2796Asn; replaces aspartic acid 2796 with asparagine.
Molecular consequence: missense variant.
Genome position (GRCh38, 1-based): chr6:7,585,648, G>A. VCF-style: chr6-7585648-G-A. GRCh37 (hg19) VCF-style: chr6-7585881-G-A.
Other names: c.6589G>A, p.Asp2197Asn (NM_001008844.3); c.7057G>A, p.Asp2353Asn (NM_001319034.2); short protein forms D2197N, D2796N, D2353N.
Identifiers: ClinVar variation 2775384 (VCV002775384.7), dbSNP rs943247894, ClinGen allele CA133977890.
Genomic context (GRCh38, chr6:7,585,648, plus strand): 5'-TGCCCCAAAACCAAATTAAAAATATCCTATAAGGATGCCATAAATCGCTCCATGGTAGAA[G>A]ATATCACTGGGCTGCGCCTTCTGGAAGCCGCCTCCGTGTCGTCCAAGGGCTTACCCAGCC-3'
Protein context (NP_004406.2, residues 2786-2806): KDAINRSMVE[Asp2796Asn]ITGLRLLEAA

ClinVar aggregate classification (germline): Uncertain significance. Review status: criteria provided, multiple submitters, no conflicts (2 of 4 stars). 4 submissions from 4 submitters: Uncertain significance (4). Last evaluated 2025-03-25.

Conditions:
Arrhythmogenic right ventricular dysplasia 8 (ARVD8). Also called: Arrhythmogenic Right Ventricular Dysplasia/Cardiomyopathy 8; ARRHYTHMOGENIC RIGHT VENTRICULAR DYSPLASIA, FAMILIAL, 8; ARRHYTHMOGENIC RIGHT VENTRICULAR CARDIOMYOPATHY 8. Identifiers: MedGen C1843896, MONDO:0011831, OMIM 607450.
Arrhythmogenic cardiomyopathy with wooly hair and keratoderma. Also called: PALMOPLANTAR KERATODERMA WITH LEFT VENTRICULAR CARDIOMYOPATHY AND WOOLLY HAIR; Dilated cardiomyopathy with woolly hair and keratoderma; Arrhythmogenic cardiomyopathy with woolly hair and keratoderma; Carvajal syndrome. Identifiers: Orphanet 65282, MedGen C1854063, MONDO:0011581, OMIM 605676.
Cardiomyopathy (CMYO). Also called: Cardiomyopathies. Identifiers: Orphanet 167848, MedGen C0878544, MONDO:0004994, HP:0001638. Inheritance: Various modes of inheritance.
Cardiovascular phenotype. Identifiers: MedGen CN230736.

Allele frequency attached by ClinVar (database versions not stated): gnomAD 0.00001; gnomAD exomes 0.00002.
gnomAD v4.1: 26 of 1,614,114 alleles (0.0016%); highest among the groups gnomAD compares: Non-Finnish European, 0.0019%; no homozygotes.

Submissions (4):

Ambry Genetics
Classification: Uncertain significance for Cardiovascular phenotype. Last evaluated: 2025-03-25. Review status: criteria provided, single submitter. Criteria: Ambry Variant Classification Scheme 2023. Collection method: clinical testing. Allele origin: germline.
Comment: The p.D2796N variant (also known as c.8386G>A), located in coding exon 24 of the DSP gene, results from a G to A substitution at nucleotide position 8386. The aspartic acid at codon 2796 is replaced by asparagine, an amino acid with highly similar properties. This amino acid position is conserved. In addition, this alteration is predicted to be tolerated by in silico analysis. Based on the available evidence, the clinical significance of this variant remains unclear.

KardioGenetik, Herz- und Diabeteszentrum NRW
Classification: Uncertain significance for Arrhythmogenic right ventricular dysplasia 8. Last evaluated: 2025-01-16. Review status: criteria provided, single submitter. Criteria: ACMG Guidelines, 2015. Collection method: clinical testing. Allele origin: unknown. Affected: yes. Observed: 1 variant allele.
Comment: The detected variant in the DSP gene (which encodes Desmoplakin) is currently classified as a variant of uncertain clinical significance. Computational prediction suggests that this variant may not impact protein structure and function. This variant has not been identified in the general population by the Genome Aggregation Database (gnomAD). (BP4, PM2_supporting)

Labcorp Genetics (formerly Invitae), Labcorp
Classification: Uncertain significance for Arrhythmogenic cardiomyopathy with wooly hair and keratoderma; Arrhythmogenic right ventricular dysplasia 8. Last evaluated: 2024-05-27. Review status: criteria provided, single submitter. Criteria: Invitae Variant Classification Sherloc (09022015). Collection method: clinical testing. Allele origin: germline.
Comment: This sequence change replaces aspartic acid, which is acidic and polar, with asparagine, which is neutral and polar, at codon 2796 of the DSP protein (p.Asp2796Asn). This variant is not present in population databases (gnomAD no frequency). This variant has not been reported in the literature in individuals affected with DSP-related conditions. An algorithm developed to predict the effect of missense changes on protein structure and function (PolyPhen-2) suggests that this variant is likely to be disruptive. In summary, the available evidence is currently insufficient to determine the role of this variant in disease. Therefore, it has been classified as a Variant of Uncertain Significance.

Color Diagnostics, LLC DBA Color Health
Classification: Uncertain significance for Cardiomyopathy. Last evaluated: 2023-11-15. Review status: criteria provided, single submitter. Criteria: ACMG Guidelines, 2015. Collection method: clinical testing. Allele origin: germline.
Comment: This missense variant replaces aspartic acid with asparagine at codon 2796 of the DSP protein. Computational prediction suggests that this variant may not impact protein structure and function (internally defined REVEL score threshold <= 0.5, PMID: 27666373). To our knowledge, functional studies have not been reported for this variant. This variant has not been reported in individuals affected with DSP-related disorders in the literature. This variant has not been identified in the general population by the Genome Aggregation Database (gnomAD). The available evidence is insufficient to determine the role of this variant in disease conclusively. Therefore, this variant is classified as a Variant of Uncertain Significance.